The following is an entry in ClinVar:

ClinVar aggregate classification (germline): Conflicting classifications of pathogenicity. Review status: criteria provided, conflicting classifications (1 of 4 stars). 6 submissions from 6 submitters: Uncertain significance (2); Likely benign (4). Last evaluated 2026-06-22.

Conditions:
Hereditary cancer-predisposing syndrome. Also called: Neoplastic Syndromes, Hereditary; Hereditary Cancer Syndrome; Tumor predisposition; Hereditary neoplastic syndrome. Identifiers: Orphanet 140162, MedGen C0027672, MeSH D009386, MONDO:0015356.
Retinoblastoma (RB1). Also called: RETINOBLASTOMA, SOMATIC. Identifiers: Orphanet 790, MedGen C0035335, MeSH D012175, MONDO:0008380, OMIM 180200, HP:0009919. Disease mechanism: loss of function. Inheritance: Both sporadic and heritable forms are tested..

Submissions (6):

Myriad Genetics, Inc.
Classification: Likely benign for Retinoblastoma. Last evaluated: 2026-06-22. Review status: criteria provided, single submitter. Criteria: Myriad Autosomal Dominant, Autosomal Recessive and X-Linked Classification Criteria (2023). Collection method: clinical testing. Allele origin: unknown.
Comment: This variant is considered likely benign. This variant has been observed at a population frequency that is significantly greater than expected given the associated disease prevalence and penetrance.

Labcorp Genetics (formerly Invitae), Labcorp
Classification: Likely benign for Retinoblastoma. Last evaluated: 2026-01-19. Review status: criteria provided, single submitter. Criteria: Invitae Variant Classification Sherloc (09022015). Collection method: clinical testing. Allele origin: germline.

All of Us Research Program, National Institutes of Health
Classification: Uncertain significance for Retinoblastoma. Last evaluated: 2024-07-29. Review status: criteria provided, single submitter. Criteria: ACMG Guidelines, 2015. Collection method: clinical testing. Allele origin: germline. Inheritance: Autosomal dominant inheritance. Observed: 7 variant alleles, 7 heterozygotes.
Comment: This variant is an in-frame deletion of proline at codon 29 in the the RB1 protein. This deletion is in the contex of seven consectutive prolines from codon 23 to 29). To our knowledge, functional studies have not been reported for this variant. This variant has been reported in an individual affected with unilateral retinoblastoma (ClinVar: SCV000087341.2). This variant has not been identified in the general population by the Genome Aggregation Database (gnomAD). The available evidence is insufficient to determine the role of this variant in disease conclusively. Therefore, this variant is classified as a Variant of Uncertain Significance.

This study involves interpretation of variants in research participants for the purpose of population health screening. Participant phenotype was not available at the time of variant classification. Additional details can be found in publication PMID: 35346344, PMCID: PMC8962531

Color Diagnostics, LLC DBA Color Health
Classification: Uncertain significance for Retinoblastoma. Last evaluated: 2024-07-10. Review status: criteria provided, single submitter. Criteria: ACMG Guidelines, 2015. Collection method: clinical testing. Allele origin: germline.
Comment: This variant is an in-frame deletion of proline at codon 29 in the the RB1 protein. This deletion is in the contex of seven consectutive prolines from codon 23 to 29). To our knowledge, functional studies have not been reported for this variant. This variant has been reported in an individual affected with unilateral retinoblastoma (ClinVar: SCV000087341.2). This variant has not been identified in the general population by the Genome Aggregation Database (gnomAD). The available evidence is insufficient to determine the role of this variant in disease conclusively. Therefore, this variant is classified as a Variant of Uncertain Significance.

Genetic Diagnostic Laboratory, University of Pennsylvania School of Medicine
Classification: Likely benign for Retinoblastoma. Last evaluated: 2024-05-20. Review status: criteria provided, single submitter. Criteria: ACMG Guidelines, 2015. Collection method: clinical testing. Allele origin: germline. Affected: yes. Observed: 1 variant allele.
Comment: Case and Pedigree Information: BILATERAL CASES:0, UNILATERAL CASES:1, TOTAL CASES:1, PEDIGREES:1. ACMG Codes Applied:PM2, BP3, BP6

Ambry Genetics
Classification: Likely benign for Hereditary cancer-predisposing syndrome. Last evaluated: 2021-05-17. Review status: criteria provided, single submitter. Criteria: Ambry Variant Classification Scheme 2023. Collection method: clinical testing. Allele origin: germline.

Literature cited by the submitters: PubMed 28401291 (cited by Ambry Genetics).

NM_000321.3(RB1):c.69GCC[3] (p.Pro29del)

Gene: RB1 (RB transcriptional corepressor 1; plus strand). Cytogenetic location: 13q14.2.
Variant type: Microsatellite.
Coding change: c.69GCC[3] on transcript NM_000321.3 (MANE Select); three copies in a row of the 3-base unit GCC starting at c.69; the reference has four copies in a row; one copy, 3 bases deleted; also written c.78_80del.
Protein change: p.Pro29del; deletes proline 29.
Molecular consequence: inframe deletion.
Genome position (GRCh38, 1-based): chr13:48,303,990-48,303,992, GCC deleted; deleting any 3 consecutive bases within chr13:48,303,979-48,303,992 gives the same sequence; the position shown is the placement nearest the transcript's 3' end. VCF-style (leftmost placement, unchanged base first): chr13-48303978-ACCG-A. GRCh37 (hg19) VCF-style: chr13-48878114-ACCG-A.
Other names: L11910:g.2137_2139delGCC; c.78_80del (NM_000321.3); c.78_80delGCC (NM_000321.2); short protein forms P29del.
Identifiers: ClinVar variation 410949 (VCV000410949.21), dbSNP rs587778823, ClinGen allele CA026465.